The following is an entry in ClinVar:

ClinVar aggregate classification (germline): Uncertain significance (1 of 4 stars; one submission).

Conditions:
RP1L1-related disorder. Also called: RP1L1-related condition.

Submission:

PreventionGenetics, part of Exact Sciences
Classification: Uncertain significance for RP1L1-related condition. Last evaluated: 2024-10-13. Review status: criteria provided, single submitter. Criteria: ACMG Guidelines, 2015. Collection method: clinical testing. Allele origin: germline.
Comment: The RP1L1 c.656G>C variant is predicted to result in the amino acid substitution p.Cys219Ser. To our knowledge, this variant has not been reported in the literature or in a large population database (gnomAD), indicating this variant is rare. At this time, the clinical significance of this variant is uncertain due to the absence of conclusive functional and genetic evidence.

NM_178857.6(RP1L1):c.656G>C (p.Cys219Ser)

Gene: RP1L1 (RP1 like 1). Cytogenetic location: 8p23.1.
Variant type: single nucleotide variant.
Coding change: c.656G>C on transcript NM_178857.6 (MANE Select); coding-DNA position 656, G replaced by C.
Protein change: p.Cys219Ser; replaces cysteine 219 with serine.
Molecular consequence: missense variant.
Genome position (GRCh38, 1-based): chr8:10,616,541, C>G on the plus strand (G>C on the coding strand, the complement: RP1L1 is on the minus strand). VCF-style: chr8-10616541-C-G. GRCh37 (hg19) VCF-style: chr8-10474051-C-G.
Other names: short protein forms C219S.
Identifiers: ClinVar variation 4998862 (VCV004998862.1).